The following is an entry in ClinVar:

NM_003185.4(TAF4):c.1789A>C (p.Lys597Gln)

Gene: TAF4 (TATA-box binding protein associated factor 4; minus strand). Cytogenetic location: 20q13.33.
Variant type: single nucleotide variant.
Coding change: c.1789A>C on transcript NM_003185.4 (MANE Select); coding-DNA position 1789, A replaced by C.
Protein change: p.Lys597Gln; replaces lysine 597 with glutamine.
Molecular consequence: missense variant.
Genome position (GRCh38, 1-based): chr20:62,009,147, T>G on the plus strand (A>C on the coding strand, the complement: TAF4 is on the minus strand). VCF-style: chr20-62009147-T-G. GRCh37 (hg19) VCF-style: chr20-60584203-T-G.
Other names: short protein forms K597Q.
Identifiers: ClinVar variation 4538101 (VCV004538101.1).

ClinVar aggregate classification (germline): Uncertain significance (1 of 4 stars; one submission).

gnomAD v4.1: 1 of 1,612,398 alleles (0.000062%); highest among the groups gnomAD compares: African/African-American, 0.0013%; no homozygotes.

Submission:

GeneDx
Classification: Uncertain significance. Last evaluated: 2025-06-09. Review status: criteria provided, single submitter. Criteria: GeneDx Variant Classification Process June 2021. Collection method: clinical testing. Allele origin: germline. Affected: yes.
Comment: Not observed at significant frequency in large population cohorts (gnomAD); In silico analysis supports that this missense variant has a deleterious effect on protein structure/function; Has not been previously published as pathogenic or benign to our knowledge